The following is an entry in ClinVar:

NM_001008537.3(NEXMIF):c.2662G>A (p.Val888Met)

Gene: NEXMIF (neurite extension and migration factor; minus strand). Cytogenetic location: Xq13.3.
Variant type: single nucleotide variant.
Coding change: c.2662G>A on transcript NM_001008537.3 (MANE Select); coding-DNA position 2662, G replaced by A.
Protein change: p.Val888Met; replaces valine 888 with methionine.
Molecular consequence: missense variant.
Genome position (GRCh38, 1-based): chrX:74,741,895, C>T on the plus strand (G>A on the coding strand, the complement: NEXMIF is on the minus strand). VCF-style: chrX-74741895-C-T. GRCh37 (hg19) VCF-style: chrX-73961730-C-T.
Other names: short protein forms V888M.
Identifiers: ClinVar variation 2571740 (VCV002571740.1), dbSNP rs1569335341, ClinGen allele CA413667715.

ClinVar aggregate classification (germline): Uncertain significance (1 of 4 stars; one submission).

Allele frequency attached by ClinVar (database versions not stated): gnomAD exomes below 0.00001.
gnomAD v4.1: 1 of 1,211,842 alleles (0.000083%); no homozygotes.

Submission:

GeneDx
Classification: Uncertain significance. Last evaluated: 2023-01-03. Review status: criteria provided, single submitter. Criteria: GeneDx Variant Classification Process June 2021. Collection method: clinical testing. Allele origin: germline. Affected: yes.
Comment: Not observed at significant frequency in large population cohorts (gnomAD); In silico analysis supports that this missense variant does not alter protein structure/function; Has not been previously published as pathogenic or benign to our knowledge